The following is an entry in ClinVar:

NM_001933.5(DLST):c.1121G>A (p.Gly374Glu)

Gene: DLST (dihydrolipoamide S-succinyltransferase; plus strand). Cytogenetic location: 14q24.3.
Variant type: single nucleotide variant.
Coding change: c.1121G>A on transcript NM_001933.5 (MANE Select); coding-DNA position 1121, G replaced by A.
Protein change: p.Gly374Glu; replaces glycine 374 with glutamic acid.
Molecular consequence: missense variant. On other transcripts: non-coding transcript variant (2).
Genome position (GRCh38, 1-based): chr14:74,901,127, G>A. VCF-style: chr14-74901127-G-A. GRCh37 (hg19) VCF-style: chr14-75367830-G-A.
Other names: DLST, GLY374GLU (rs1270341616); short protein forms G374E.
Identifiers: ClinVar variation 635133 (VCV000635133.4), dbSNP rs1270341616, ClinGen allele CA390420043.

ClinVar aggregate classification (germline): Uncertain significance. Review status: criteria provided, single submitter (1 of 4 stars). 2 submissions from 2 submitters: Uncertain significance (1). 1 of the submissions does not count toward it. Last evaluated 2025-10-18.

Conditions:
Pheochromocytoma/paraganglioma syndrome 7. Also called: Paragangliomas 7. Identifiers: MedGen C5193116, MONDO:0032771, OMIM 618475.

Allele frequency attached by ClinVar (database versions not stated): gnomAD exomes below 0.00001 and 0.00001; TOPMed 0.00002; gnomAD 0.00003.

Submissions (2):

Labcorp Genetics (formerly Invitae), Labcorp
Classification: Uncertain significance. Last evaluated: 2025-10-18. Review status: criteria provided, single submitter. Criteria: Invitae Variant Classification Sherloc (09022015). Collection method: clinical testing. Allele origin: germline.
Comment: This sequence change replaces glycine, which is neutral and non-polar, with glutamic acid, which is acidic and polar, at codon 374 of the DLST protein (p.Gly374Glu). This variant is present in population databases (no rsID available, gnomAD 0.006%). This missense change has been observed in individual(s) with DLST-related conditions (PMID: 30929736, 33180916). ClinVar contains an entry for this variant (Variation ID: 635133). Invitae Evidence Modeling of protein sequence and biophysical properties (such as structural, functional, and spatial information, amino acid conservation, physicochemical variation, residue mobility, and thermodynamic stability) indicates that this missense variant is expected to disrupt DLST protein function with a positive predictive value of 80%. Experimental studies are conflicting or provide insufficient evidence to determine the effect of this variant on DLST function (PMID: 30929736). In summary, the available evidence is currently insufficient to determine the role of this variant in disease. Therefore, it has been classified as a Variant of Uncertain Significance.

OMIM
Classification: Pathogenic for PHEOCHROMOCYTOMA/PARAGANGLIOMA SYNDROME 7. Last evaluated: 2023-10-18. Review status: no assertion criteria provided. Collection method: literature only. Allele origin: germline. Not counted in ClinVar's aggregate classification.

Literature cited by the submitters: PubMed 30929736 (cited by Labcorp Genetics (formerly Invitae), Labcorp and OMIM); PubMed 33180916 (cited by Labcorp Genetics (formerly Invitae), Labcorp).